The following is an entry in ClinVar:

ClinVar aggregate classification (germline): Uncertain significance. Review status: criteria provided, multiple submitters, no conflicts (2 of 4 stars). 2 submissions from 2 submitters: Uncertain significance (2). Last evaluated 2024-04-22.

Conditions:
Hereditary cancer-predisposing syndrome. Also called: Hereditary Cancer Syndrome; Neoplastic Syndromes, Hereditary; Tumor predisposition; Hereditary neoplastic syndrome. Identifiers: Orphanet 140162, MedGen C0027672, MeSH D009386, MONDO:0015356.
Familial adenomatous polyposis 1 (FAP1). Also called: FAMILIAL ADENOMATOUS POLYPOSIS 1, ATTENUATED; POLYPOSIS, ADENOMATOUS INTESTINAL. Identifiers: MedGen C2713442, MONDO:0021056, OMIM 175100. Disease mechanism: loss of function.

Submissions (2):

Labcorp Genetics (formerly Invitae), Labcorp
Classification: Uncertain significance for Familial adenomatous polyposis 1. Last evaluated: 2024-04-22. Review status: criteria provided, single submitter. Criteria: Invitae Variant Classification Sherloc (09022015). Collection method: clinical testing. Allele origin: germline.
Comment: This sequence change replaces methionine, which is neutral and non-polar, with leucine, which is neutral and non-polar, at codon 1747 of the APC protein (p.Met1747Leu). This variant is not present in population databases (gnomAD no frequency). This variant has not been reported in the literature in individuals affected with APC-related conditions. ClinVar contains an entry for this variant (Variation ID: 1746266). Advanced modeling of protein sequence and biophysical properties (such as structural, functional, and spatial information, amino acid conservation, physicochemical variation, residue mobility, and thermodynamic stability) performed at Invitae indicates that this missense variant is not expected to disrupt APC protein function with a negative predictive value of 95%. In summary, the available evidence is currently insufficient to determine the role of this variant in disease. Therefore, it has been classified as a Variant of Uncertain Significance.

Ambry Genetics
Classification: Uncertain significance for Hereditary cancer-predisposing syndrome. Last evaluated: 2022-01-19. Review status: criteria provided, single submitter. Criteria: Ambry Variant Classification Scheme 2023. Collection method: clinical testing. Allele origin: germline.
Comment: The p.M1747L variant (also known as c.5239A>C), located in coding exon 15 of the APC gene, results from an A to C substitution at nucleotide position 5239. The methionine at codon 1747 is replaced by leucine, an amino acid with highly similar properties. This amino acid position is conserved. In addition, in silico predictors for this gene do not accurately predict pathogenicity. Since supporting evidence is limited at this time, the clinical significance of this alteration remains unclear.

NM_000038.6(APC):c.5239A>C (p.Met1747Leu)

Gene: APC (APC regulator of Wnt signaling pathway; plus strand). Cytogenetic location: 5q22.2.
Variant type: single nucleotide variant.
Coding change: c.5239A>C on transcript NM_000038.6 (MANE Select); coding-DNA position 5239, A replaced by C.
Protein change: p.Met1747Leu; replaces methionine 1747 with leucine.
Molecular consequence: missense variant.
Genome position (GRCh38, 1-based): chr5:112,840,833, A>C. VCF-style: chr5-112840833-A-C. GRCh37 (hg19) VCF-style: chr5-112176530-A-C.
Other names: c.5239A>C, p.Met1747Leu (NM_001127510.3, NM_001354895.2, NM_001407450.1); c.5185A>C, p.Met1729Leu (NM_001127511.3); c.5293A>C, p.Met1765Leu (NM_001354896.2, NM_001407447.1, NM_001407448.1 and 1 more transcripts); c.5269A>C, p.Met1757Leu (NM_001354897.2); c.5164A>C, p.Met1722Leu (NM_001354898.2); c.5155A>C, p.Met1719Leu (NM_001354899.2); c.5116A>C, p.Met1706Leu (NM_001354900.2); c.5062A>C, p.Met1688Leu (NM_001354901.2, NM_001407453.1); and 11 more; short protein forms M1618L, M1646L, M1464L, M1729L, M1740L, M1363L, M1587L, M1621L.
Identifiers: ClinVar variation 1746266 (VCV001746266.4), dbSNP rs2149935496, ClinGen allele CA16032783.